The following is an entry in ClinVar:

ClinVar aggregate classification (germline): Likely pathogenic (1 of 4 stars; one submission).

Conditions:
RASopathy. Also called: Noonan spectrum disorder; rasopathies. Identifiers: Orphanet 536391, MedGen C5555857, MONDO:0021060.

Submission:

Labcorp Genetics (formerly Invitae), Labcorp
Classification: Likely pathogenic for RASopathy. Last evaluated: 2019-06-05. Review status: criteria provided, single submitter. Criteria: Invitae Variant Classification Sherloc (09022015). Collection method: clinical testing. Allele origin: germline.
Comment: This sequence change affects codon 163 of the PTPN11 mRNA. It is a 'silent' change, meaning that it does not change the encoded amino acid sequence of the PTPN11 protein. In summary, the currently available evidence indicates that the variant is pathogenic, but additional data are needed to prove that conclusively. Therefore, this variant has been classified as Likely Pathogenic. Algorithms developed to predict the effect of sequence changes on RNA splicing suggest that this variant may create or strengthen a splice site, but this prediction has not been confirmed by published transcriptional studies. This variant is not present in population databases (ExAC no frequency).

NM_002834.5(PTPN11):c.489C>T (p.Gly163=)

Gene: PTPN11 (protein tyrosine phosphatase non-receptor type 11; plus strand). Cytogenetic location: 12q24.13.
Variant type: single nucleotide variant.
Coding change: c.489C>T on transcript NM_002834.5 (MANE Select); coding-DNA position 489, C replaced by T.
Protein change: p.Gly163=; no amino-acid change (glycine 163 retained).
Molecular consequence: synonymous variant.
Genome position (GRCh38, 1-based): chr12:112,453,351, C>T. VCF-style: chr12-112453351-C-T. GRCh37 (hg19) VCF-style: chr12-112891155-C-T.
Other names: c.489C>T, p.Gly163= (NM_001330437.2, NM_080601.3); c.486C>T, p.Gly162= (NM_001374625.1).
Identifiers: ClinVar variation 940702 (VCV000940702.9), dbSNP rs2038105603, ClinGen allele CA481882794.